The following is an entry in ClinVar:

ClinVar aggregate classification (germline): Uncertain significance. Review status: criteria provided, multiple submitters, no conflicts (2 of 4 stars). 2 submissions from 2 submitters: Uncertain significance (2). Last evaluated 2024-07-15.

Conditions:
Rhabdoid tumor predisposition syndrome 2 (RTPS2). Identifiers: Orphanet 231108, Orphanet 69077, MedGen C2750074, MONDO:0013224, OMIM 613325.
Hereditary cancer-predisposing syndrome. Also called: Hereditary Cancer Syndrome; Neoplastic Syndromes, Hereditary; Tumor predisposition; Hereditary neoplastic syndrome. Identifiers: Orphanet 140162, MedGen C0027672, MeSH D009386, MONDO:0015356.

gnomAD v4.1: 2 of 1,537,278 alleles (0.00013%); highest among the groups gnomAD compares: Non-Finnish European, 0.00017%; no homozygotes.

Submissions (2):

Labcorp Genetics (formerly Invitae), Labcorp
Classification: Uncertain significance for Rhabdoid tumor predisposition syndrome 2. Last evaluated: 2024-07-15. Review status: criteria provided, single submitter. Criteria: Invitae Variant Classification Sherloc (09022015). Collection method: clinical testing. Allele origin: germline.
Comment: This sequence change replaces proline, which is neutral and non-polar, with threonine, which is neutral and polar, at codon 246 of the SMARCA4 protein (p.Pro246Thr). This variant is not present in population databases (gnomAD no frequency). This variant has not been reported in the literature in individuals affected with SMARCA4-related conditions. ClinVar contains an entry for this variant (Variation ID: 480656). Advanced modeling of protein sequence and biophysical properties (such as structural, functional, and spatial information, amino acid conservation, physicochemical variation, residue mobility, and thermodynamic stability) performed at Invitae indicates that this missense variant is not expected to disrupt SMARCA4 protein function with a negative predictive value of 95%. In summary, the available evidence is currently insufficient to determine the role of this variant in disease. Therefore, it has been classified as a Variant of Uncertain Significance.

Ambry Genetics
Classification: Uncertain significance for Hereditary cancer-predisposing syndrome. Last evaluated: 2024-01-02. Review status: criteria provided, single submitter. Criteria: Ambry Variant Classification Scheme 2023. Collection method: clinical testing. Allele origin: germline.
Comment: The p.P246T variant (also known as c.736C>A), located in coding exon 3 of the SMARCA4 gene, results from a C to A substitution at nucleotide position 736. The proline at codon 246 is replaced by threonine, an amino acid with highly similar properties. This amino acid position is well conserved in available vertebrate species. In addition, this alteration is predicted to be tolerated by in silico analysis. Missense and in-frame variants in SMARCA4 are known to cause neurodevelopmental disorders; however, such associations with rhabdoid tumor predisposition syndrome including small cell carcinoma of the ovary-hypercalcemic type (SCCOHT) are exceedingly rare (Kosho T et al. Am J Med Genet C Semin Med Genet. 2014 Sep;166C(3):262-75; Jelinic P et al. Nat Genet. 2014 May;46(5):424-6). Based on the supporting evidence, the association of this alteration with Coffin-Siris syndrome is unknown; however, the association of this alteration with rhabdoid tumor predisposition syndrome is unlikely.

NM_003072.5(SMARCA4):c.736C>A (p.Pro246Thr)

Gene: SMARCA4 (SWI/SNF related BAF chromatin remodeling complex subunit ATPase 4; plus strand). Cytogenetic location: 19p13.2.
Variant type: single nucleotide variant.
Coding change: c.736C>A on transcript NM_003072.5 (MANE Select); coding-DNA position 736, C replaced by A.
Protein change: p.Pro246Thr; replaces proline 246 with threonine.
Molecular consequence: missense variant. On other transcripts: non-coding transcript variant (1).
Genome position (GRCh38, 1-based): chr19:10,986,569, C>A. VCF-style: chr19-10986569-C-A. GRCh37 (hg19) VCF-style: chr19-11097245-C-A.
Other names: c.736C>A, p.Pro246Thr (NM_001128844.3, NM_001128845.2, NM_001128846.2 and 5 more transcripts); short protein forms P246T.
Identifiers: ClinVar variation 480656 (VCV000480656.11), dbSNP rs1555753804, ClinGen allele CA404057236.